The following is an entry in ClinVar:

NM_004750.5(CRLF1):c.4_10del (p.Pro2fs)

Gene: CRLF1 (cytokine receptor like factor 1; minus strand). Cytogenetic location: 19p13.11.
Variant type: Deletion.
Coding change: c.4_10del on transcript NM_004750.5 (MANE Select); coding-DNA positions 4 to 10, 7 bases deleted (CCCGCCG; older notation c.4_10delCCCGCCG).
Protein change: p.Pro2fs; shifts the reading frame from proline 2.
Molecular consequence: frameshift variant, initiator codon variant.
Genome position (GRCh38, 1-based): chr19:18,606,647-18,606,653, CGGCGGG deleted on the plus strand (CCCGCCG on the coding strand, the reverse complement: CRLF1 is on the minus strand); deleting any 7 consecutive bases within chr19:18,606,647-18,606,654 gives the same sequence; the c. name uses the placement nearest the transcript's 3' end. VCF-style (leftmost placement, unchanged base first): chr19-18606646-CCGGCGGG-C. GRCh37 (hg19) VCF-style: chr19-18717456-CCGGCGGG-C.
Other names: short protein forms P2fs.
Identifiers: ClinVar variation 1705180 (VCV001705180.2), dbSNP rs2513397402, ClinGen allele CA2580096743.
Genomic context (GRCh38, chr19:18,606,646, plus strand): 5'-AGCAGCAGGGGCAGCAACGGCGGCGGCCGCCGCGCGGATTGGGCGGCGGGGCCCCGGCGG[CCGGCGGG>C]CATGGGGCCGGCGCTGCCGGGGGCGCGCGGCGGGCTGCGGCTCGGCGGCGGTGGCGCAGG-3'

ClinVar aggregate classification (germline): Likely pathogenic (1 of 4 stars; one submission).

Conditions:
Cold-induced sweating syndrome. Also called: Cold-Induced Sweating Syndrome Including Crisponi Syndrome. Identifiers: Orphanet 157820, MedGen C1832409, MONDO:0015526.

Submission:

Women's Health and Genetics/Laboratory Corporation of America, LabCorp
Classification: Likely pathogenic for Cold-induced sweating syndrome. Last evaluated: 2022-08-23. Review status: criteria provided, single submitter. Criteria: LabCorp Variant Classification Summary - May 2015. Collection method: clinical testing. Allele origin: germline.
Comment: Variant summary: CRLF1 c.4_10delCCCGCCG (p.Pro2AlafsX39) results in a premature termination codon, predicted to cause a truncation of the encoded protein or absence of the protein due to nonsense mediated decay, which are commonly known mechanisms for disease. Truncations downstream of this position have been classified as pathogenic in ClinVar and is associated with Crisponi/CISS1 syndrome in HGMD. The frequency of this variant in the general population could not be determined as the technology used for large population databases (ExAC, gnomAD, ESP, 1000G) cannot detect variants of this type. To our knowledge, no occurrence of c.4_10delCCCGCCG in individuals affected with Cold-Induced Sweating Syndrome and no experimental evidence demonstrating its impact on protein function have been reported. No clinical diagnostic laboratories have submitted clinical-significance assessments for this variant to ClinVar after 2014. Based on the evidence outlined above, the variant was classified as likely pathogenic.